The following is an entry in ClinVar:

ClinVar aggregate classification (germline): Uncertain significance (1 of 4 stars; one submission).

Submission:

GeneDx
Classification: Uncertain significance. Last evaluated: 2023-05-04. Review status: criteria provided, single submitter. Criteria: GeneDx Variant Classification Process June 2021. Collection method: clinical testing. Allele origin: germline. Affected: yes.
Comment: Not observed at significant frequency in large population cohorts (gnomAD); In silico analysis supports that this missense variant does not alter protein structure/function; Has not been previously published as pathogenic or benign to our knowledge

NM_001039591.3(USP9X):c.3712G>A (p.Val1238Ile)

Gene: USP9X (ubiquitin specific peptidase 9 X-linked; plus strand). Cytogenetic location: Xp11.4.
Variant type: single nucleotide variant.
Coding change: c.3712G>A on transcript NM_001039591.3 (MANE Select); coding-DNA position 3712, G replaced by A.
Protein change: p.Val1238Ile; replaces valine 1238 with isoleucine.
Molecular consequence: missense variant.
Genome position (GRCh38, 1-based): chrX:41,188,019, G>A. VCF-style: chrX-41188019-G-A. GRCh37 (hg19) VCF-style: chrX-41047272-G-A.
Other names: c.3712G>A, p.Val1238Ile (NM_001039590.3); c.3727G>A, p.Val1243Ile (NM_001410748.1, NM_001410749.1); short protein forms V1238I, V1243I.
Identifiers: ClinVar variation 2662336 (VCV002662336.1), dbSNP rs2519279773, ClinGen allele CA412768536.
Genomic context (GRCh38, chrX:41,188,019, plus strand): 5'-TATCAACAGTTCTATTTACTCGTTATCTTGCAGGCTTCAAGATATATGCCTGATATTTGT[G>A]TAATTAGAGCTATACAAAAAATTATCTGGGCATCAGGATGTGGGTCGTTACAGCTAGTAT-3'
Protein context (NP_001034680.2, residues 1228-1248): EASRYMPDIC[Val1238Ile]IRAIQKIIWA